The following is an entry in ClinVar:

ClinVar aggregate classification (germline): Likely benign. Review status: criteria provided, multiple submitters, no conflicts (2 of 4 stars). 3 submissions from 3 submitters: Likely benign (3). Last evaluated 2025-04-10.

Conditions:
Arrhythmogenic right ventricular cardiomyopathy (ARVD). Also called: Cardiomyopathy, ARVC; Arrhythmogenic right ventricular dysplasia; Arrhythmogenic cardiomyopathy; Arrhythmogenic Right Ventricular Cardiomyopathy (ARVC). Identifiers: Orphanet 247, MedGen C0349788, MeSH D019571, MONDO:0016587. Disease mechanism: loss of function. Inheritance: Various modes of inheritance.
Cardiomyopathy (CMYO). Also called: Cardiomyopathies. Identifiers: Orphanet 167848, MedGen C0878544, MONDO:0004994, HP:0001638. Inheritance: Various modes of inheritance.
Arrhythmogenic right ventricular dysplasia 9 (ARVD9). Also called: Arrhythmogenic Right Ventricular Dysplasia/Cardiomyopathy 9; ARRHYTHMOGENIC RIGHT VENTRICULAR DYSPLASIA, FAMILIAL, 9. Identifiers: MedGen C1836906, MONDO:0012180, OMIM 609040.

Allele frequency attached by ClinVar (database versions not stated): gnomAD exomes below 0.00001.
gnomAD v4.1: 3 of 1,609,614 alleles (0.00019%); highest among the groups gnomAD compares: South Asian, 0.0011%; no homozygotes.

Submissions (3):

Labcorp Genetics (formerly Invitae), Labcorp
Classification: Likely benign for Arrhythmogenic right ventricular dysplasia 9. Last evaluated: 2025-04-10. Review status: criteria provided, single submitter. Criteria: Invitae Variant Classification Sherloc (09022015). Collection method: clinical testing. Allele origin: germline.

All of Us Research Program, National Institutes of Health
Classification: Likely benign for Arrhythmogenic right ventricular cardiomyopathy. Last evaluated: 2023-04-28. Review status: criteria provided, single submitter. Criteria: ACMG Guidelines, 2015. Collection method: clinical testing. Allele origin: germline. Inheritance: Autosomal dominant inheritance. Observed: 1 variant allele, 1 heterozygote.
Comment: This study involves interpretation of variants in research participants for the purpose of population health screening. Participant phenotype was not available at the time of variant classification. Additional details can be found in publication PMID: 35346344, PMCID: PMC8962531

Color Diagnostics, LLC DBA Color Health
Classification: Likely benign for Cardiomyopathy. Last evaluated: 2020-10-19. Review status: criteria provided, single submitter. Criteria: ACMG Guidelines, 2015. Collection method: clinical testing. Allele origin: germline.

NM_001005242.3(PKP2):c.1638C>T (p.Val546=)

Gene: PKP2 (plakophilin 2; minus strand). Cytogenetic location: 12p11.21.
Variant type: single nucleotide variant.
Coding change: c.1638C>T on transcript NM_001005242.3 (MANE Select); coding-DNA position 1638, C replaced by T.
Protein change: p.Val546=; no amino-acid change (valine 546 retained).
Molecular consequence: synonymous variant.
Genome position (GRCh38, 1-based): chr12:32,824,081, G>A on the plus strand (C>T on the coding strand, the complement: PKP2 is on the minus strand). VCF-style: chr12-32824081-G-A. GRCh37 (hg19) VCF-style: chr12-32977015-G-A.
Other names: c.1770C>T, p.Val590= (NM_004572.4).
Identifiers: ClinVar variation 1171562 (VCV001171562.6), dbSNP rs2137783220, ClinGen allele CA479176570.